The following is an entry in ClinVar:

ClinVar aggregate classification (germline): Uncertain significance (1 of 4 stars; one submission).

Conditions:
Neuroblastoma, susceptibility to, 3. Also called: ALK-Related Neuroblastic Tumor Susceptibility. Identifiers: Orphanet 635, MedGen C2751681, MONDO:0013083, OMIM 613014.

Allele frequency attached by ClinVar (database versions not stated): gnomAD exomes below 0.00001; TOPMed below 0.00001; gnomAD 0.00001.
gnomAD v4.1: 3 of 1,613,932 alleles (0.00019%); highest among the groups gnomAD compares: African/African-American, 0.0013%; no homozygotes.

Submission:

Labcorp Genetics (formerly Invitae), Labcorp
Classification: Uncertain significance for Neuroblastoma, susceptibility to, 3. Last evaluated: 2023-12-04. Review status: criteria provided, single submitter. Criteria: Invitae Variant Classification Sherloc (09022015). Collection method: clinical testing. Allele origin: germline.
Comment: This sequence change replaces glycine, which is neutral and non-polar, with glutamic acid, which is acidic and polar, at codon 1304 of the ALK protein (p.Gly1304Glu). This variant is present in population databases (no rsID available, gnomAD 0.007%). This variant has not been reported in the literature in individuals affected with ALK-related conditions. An algorithm developed to predict the effect of missense changes on protein structure and function (PolyPhen-2) suggests that this variant is likely to be disruptive. In summary, the available evidence is currently insufficient to determine the role of this variant in disease. Therefore, it has been classified as a Variant of Uncertain Significance.

NM_004304.5(ALK):c.3911G>A (p.Gly1304Glu)

Gene: ALK (ALK receptor tyrosine kinase; minus strand). Cytogenetic location: 2p23.2.
Variant type: single nucleotide variant.
Coding change: c.3911G>A on transcript NM_004304.5 (MANE Select); coding-DNA position 3911, G replaced by A.
Protein change: p.Gly1304Glu; replaces glycine 1304 with glutamic acid.
Molecular consequence: missense variant.
Genome position (GRCh38, 1-based): chr2:29,207,198, C>T on the plus strand (G>A on the coding strand, the complement: ALK is on the minus strand). VCF-style: chr2-29207198-C-T. GRCh37 (hg19) VCF-style: chr2-29430064-C-T.
Other names: c.707G>A, p.Gly236Glu (NM_001353765.2); short protein forms G236E, G1304E.
Identifiers: ClinVar variation 2917461 (VCV002917461.3), dbSNP rs1013688370, ClinGen allele CA44644381.